The following is an entry in ClinVar:

NM_153252.5(BRWD3):c.435T>C (p.Asn145=)

Gene: BRWD3 (bromodomain and WD repeat domain containing 3; minus strand). Cytogenetic location: Xq21.1.
Variant type: single nucleotide variant.
Coding change: c.435T>C on transcript NM_153252.5 (MANE Select); coding-DNA position 435, T replaced by C.
Protein change: p.Asn145=; no amino-acid change (asparagine 145 retained).
Molecular consequence: synonymous variant.
Genome position (GRCh38, 1-based): chrX:80,745,725, A>G on the plus strand (T>C on the coding strand, the complement: BRWD3 is on the minus strand). VCF-style: chrX-80745725-A-G. GRCh37 (hg19) VCF-style: chrX-80001224-A-G.
Identifiers: ClinVar variation 796632 (VCV000796632.27), dbSNP rs777679180, ClinGen allele CA10462358.

ClinVar aggregate classification (germline): Likely benign. Review status: criteria provided, multiple submitters, no conflicts (2 of 4 stars). 2 submissions from 2 submitters: Likely benign (2). Last evaluated 2023-10-01.

Allele frequency attached by ClinVar (database versions not stated): gnomAD exomes below 0.00001; gnomAD 0.00001; ExAC 0.00002; TOPMed 0.00002.
gnomAD v4.1: 4 of 1,200,238 alleles (0.00033%); highest among the groups gnomAD compares: Admixed American, 0.0022%; no homozygotes.

Submissions (2):

CeGaT Center for Human Genetics Tuebingen
Classification: Likely benign. Last evaluated: 2023-10-01. Review status: criteria provided, single submitter. Criteria: CeGaT Center For Human Genetics Tuebingen Variant Classification Criteria Version 2. Collection method: clinical testing. Allele origin: germline. Affected: yes. Observed: 1 variant allele.
Comment: BRWD3: BP4, BP7

Labcorp Genetics (formerly Invitae), Labcorp
Classification: Likely benign. Last evaluated: 2018-12-24. Review status: criteria provided, single submitter. Criteria: Invitae Variant Classification Sherloc (09022015). Collection method: clinical testing. Allele origin: germline.